The following is an entry in ClinVar:

ClinVar aggregate classification (germline): Pathogenic. Review status: criteria provided, multiple submitters, no conflicts (2 of 4 stars). 6 submissions from 6 submitters: Pathogenic (4). 2 of the submissions do not count toward it. Last evaluated 2026-02-27.

Conditions:
Alstrom syndrome (ALMS). Identifiers: Orphanet 64, MedGen C0268425, MONDO:0008763, OMIM 203800.
Cone-rod dystrophy. Also called: Cone-rod degeneration; Cone/cone-rod dystrophy. Identifiers: Orphanet 1872, MedGen C4085590, MONDO:0015993, HP:0000548.

Allele frequency attached by ClinVar (database versions not stated): gnomAD exomes below 0.00001; TOPMed 0.00001.
gnomAD v4.1: 3 of 1,601,660 alleles (0.00019%); highest among the groups gnomAD compares: Non-Finnish European, 0.00026%; no homozygotes.

Submissions (6):

Dasa
Classification: Pathogenic. Last evaluated: 2026-02-27. Review status: criteria provided, single submitter. Criteria: DASA Assertion Criteria. Collection method: clinical testing. Allele origin: germline.
Comment: NM_001378454.1(ALMS1):c.805C>T (p.Arg269*) introduces a premature termination codon predicted to result in loss of normal protein function. Loss-of-function is an established mechanism of disease for this gene. This variant has been observed in affected individuals with related phenotype in a genotype context consistent with recessive disease (PMID: 26047050; PMID: 26077327; PMID: 29588463). This variant has been recurrently observed in individuals with related phenotype (PMID: 26047050; PMID: 26077327; PMID: 29588463). The variant is present at low frequency in population datasets. Based on the available data, this variant is classified as pathogenic.

Labcorp Genetics (formerly Invitae), Labcorp
Classification: Pathogenic for Alstrom syndrome. Last evaluated: 2024-02-15. Review status: criteria provided, single submitter. Criteria: Invitae Variant Classification Sherloc (09022015). Collection method: clinical testing. Allele origin: germline.
Comment: This sequence change creates a premature translational stop signal (p.Arg270*) in the ALMS1 gene. It is expected to result in an absent or disrupted protein product. Loss-of-function variants in ALMS1 are known to be pathogenic (PMID: 17594715). This variant is not present in population databases (gnomAD no frequency). This premature translational stop signal has been observed in individual(s) with clinical features of ALMS1-related conditions (PMID: 26047050, 26077327, 29588463). ClinVar contains an entry for this variant (Variation ID: 812221). For these reasons, this variant has been classified as Pathogenic.

GeneDx
Classification: Pathogenic. Last evaluated: 2023-06-28. Review status: criteria provided, single submitter. Criteria: GeneDx Variant Classification Process June 2021. Collection method: clinical testing. Allele origin: germline. Affected: yes.
Comment: Nonsense variant predicted to result in protein truncation or nonsense mediated decay in a gene for which loss of function is a known mechanism of disease; Not observed at significant frequency in large population cohorts (gnomAD); This variant is associated with the following publications: (PMID: 29588463, 26077327, 33669459, 26047050)

MGZ Medical Genetics Center
Classification: Pathogenic for Alstrom syndrome. Last evaluated: 2021-11-22. Review status: criteria provided, single submitter. Criteria: ACMG Guidelines, 2015. Collection method: clinical testing. Allele origin: germline. Affected: yes. Observed: 1 variant allele.
Comment: ACMG criteria applied: PVS1, PM3_STR, PM2_SUP

Natera, Inc.
Classification: Pathogenic for Alstrom syndrome. Last evaluated: 2020-07-29. Review status: no assertion criteria provided. Collection method: clinical testing. Allele origin: germline. Not counted in ClinVar's aggregate classification.

Sharon lab, Hadassah-Hebrew University Medical Center
Classification: Pathogenic for Cone-rod degeneration. Last evaluated: 2019-06-23. Review status: no assertion criteria provided. Collection method: research. Allele origin: inherited. Affected: yes. Not counted in ClinVar's aggregate classification.

Literature cited by the submitters: PubMed 26047050 (cited by Dasa and Labcorp Genetics (formerly Invitae), Labcorp); PubMed 26077327 (cited by Dasa and Labcorp Genetics (formerly Invitae), Labcorp); PubMed 29588463 (cited by Dasa and Labcorp Genetics (formerly Invitae), Labcorp); PubMed 17594715 (cited by Labcorp Genetics (formerly Invitae), Labcorp).

NM_001378454.1(ALMS1):c.805C>T (p.Arg269Ter)

Gene: ALMS1 (ALMS1 centrosome and basal body associated protein; plus strand). Cytogenetic location: 2p13.1.
Variant type: single nucleotide variant.
Coding change: c.805C>T on transcript NM_001378454.1 (MANE Select); coding-DNA position 805, C replaced by T.
Protein change: p.Arg269Ter; replaces arginine 269 with a stop codon.
Molecular consequence: nonsense.
Genome position (GRCh38, 1-based): chr2:73,424,470, C>T. VCF-style: chr2-73424470-C-T. GRCh37 (hg19) VCF-style: chr2-73651598-C-T.
Other names: c.808C>T, p.Arg270Ter (NM_015120.4); short protein forms R270*, R269*.
Identifiers: ClinVar variation 812221 (VCV000812221.17), dbSNP rs1426009756, ClinGen allele CA347260488.
Genomic context (GRCh38, chr2:73,424,470, plus strand): 5'-TTTTAACTATATATTTTCAGGGGAATTCCTGATAAGTCTGAAGATACTGAATGGTCTTCT[C>T]GACCATCGGAAGTTAGTGAAGCTTTATTCCAGGCTACTGCAGAAGTAGCTTCAGACTTAG-3'